The following is an entry in ClinVar:

ClinVar aggregate classification (germline): Uncertain significance. Review status: criteria provided, multiple submitters, no conflicts (2 of 4 stars). 2 submissions from 2 submitters: Uncertain significance (2). Last evaluated 2024-02-05.

Conditions:
Intellectual developmental disorder, autosomal recessive 71. Also called: MENTAL RETARDATION, AUTOSOMAL RECESSIVE 71. Identifiers: MedGen C5193133, MONDO:0032789, OMIM 618504.

Allele frequency attached by ClinVar (database versions not stated): TOPMed 0.00006; ExAC 0.00009; 1000 Genomes Project 30x 0.00016; 1000 Genomes Project 0.00020.
gnomAD v4.1: 34 of 1,551,800 alleles (0.0022%); highest among the groups gnomAD compares: East Asian, 0.081%; no homozygotes.

Submissions (2):

Ambry Genetics
Classification: Uncertain significance. Last evaluated: 2024-02-05. Review status: criteria provided, single submitter. Criteria: Ambry Variant Classification Scheme 2023. Collection method: clinical testing. Allele origin: germline.

Juno Genomics, Hangzhou Juno Genomics, Inc
Classification: Uncertain significance for Intellectual developmental disorder, autosomal recessive 71. Review status: criteria provided, single submitter. Criteria: ACMG Guidelines, 2015. Collection method: clinical testing. Allele origin: germline. Affected: yes.
Comment: Absent from controls (or at extremely low frequency if recessive) in Genome Aggregation Database, Exome Sequencing Project, 1000 Genomes Project, or Exome Aggregation Consortium.

NM_138775.3(ALKBH8):c.1121A>G (p.Tyr374Cys)

Gene: ALKBH8 (alkB homolog 8, tRNA methyltransferase; minus strand). Cytogenetic location: 11q22.3.
Variant type: single nucleotide variant.
Coding change: c.1121A>G on transcript NM_138775.3 (MANE Select); coding-DNA position 1121, A replaced by G.
Protein change: p.Tyr374Cys; replaces tyrosine 374 with cysteine.
Molecular consequence: missense variant. On other transcripts: non-coding transcript variant (5).
Genome position (GRCh38, 1-based): chr11:107,522,465, T>C on the plus strand (A>G on the coding strand, the complement: ALKBH8 is on the minus strand). VCF-style: chr11-107522465-T-C. GRCh37 (hg19) VCF-style: chr11-107393191-T-C.
Other names: c.1121A>G, p.Tyr374Cys (NM_001378133.1, NM_001301010.3); c.1130A>G (NM_001301010.2); short protein forms Y374C.
Identifiers: ClinVar variation 3112012 (VCV003112012.3), dbSNP rs556026632, ClinGen allele CA6261063.